The following is an entry in ClinVar:

NM_004821.3(HAND1):c.7C>T (p.Leu3Phe)

Gene: HAND1 (heart and neural crest derivatives expressed 1; minus strand). Cytogenetic location: 5q33.2.
Variant type: single nucleotide variant.
Coding change: c.7C>T on transcript NM_004821.3 (MANE Select); coding-DNA position 7, C replaced by T.
Protein change: p.Leu3Phe; replaces leucine 3 with phenylalanine.
Molecular consequence: missense variant.
Genome position (GRCh38, 1-based): chr5:154,478,002, G>A on the plus strand (C>T on the coding strand, the complement: HAND1 is on the minus strand). VCF-style: chr5-154478002-G-A. GRCh37 (hg19) VCF-style: chr5-153857562-G-A.
Other names: short protein forms L3F.
Identifiers: ClinVar variation 3650799 (VCV003650799.2).

ClinVar aggregate classification (germline): Uncertain significance (1 of 4 stars; one submission).

Conditions:
Hypoplastic left heart syndrome. Also called: Hypoplastic left heart; Hypoplastic left ventricle. Identifiers: Orphanet 2248, MedGen C0152101, MONDO:0004933, HP:0004383.

Submission:

Labcorp Genetics (formerly Invitae), Labcorp
Classification: Uncertain significance for Hypoplastic left heart syndrome. Last evaluated: 2024-11-20. Review status: criteria provided, single submitter. Criteria: Invitae Variant Classification Sherloc (09022015). Collection method: clinical testing. Allele origin: germline.
Comment: This sequence change replaces leucine, which is neutral and non-polar, with phenylalanine, which is neutral and non-polar, at codon 3 of the HAND1 protein (p.Leu3Phe). This variant is not present in population databases (gnomAD no frequency). This variant has not been reported in the literature in individuals affected with HAND1-related conditions. An algorithm developed to predict the effect of missense changes on protein structure and function (PolyPhen-2) suggests that this variant is likely to be disruptive. In summary, the available evidence is currently insufficient to determine the role of this variant in disease. Therefore, it has been classified as a Variant of Uncertain Significance.